The following is an entry in ClinVar:

NM_024818.6(UBA5):c.707del (p.Ala236fs)

Genes: NPHP3-ACAD11 (NPHP3-ACAD11 readthrough (NMD candidate); minus strand), UBA5 (ubiquitin like modifier activating enzyme 5; plus strand). Cytogenetic location: 3q22.1.
Variant type: Deletion.
Coding change: c.707del on transcript NM_024818.6 (MANE Select); coding-DNA position 707, one base deleted (C; older notation c.707delC).
Protein change: p.Ala236fs; shifts the reading frame from alanine 236.
Molecular consequence: frameshift variant.
Genome position (GRCh38, 1-based): chr3:132,672,072, C deleted. VCF-style (leftmost placement, unchanged base first): chr3-132672071-GC-G. GRCh37 (hg19) VCF-style: chr3-132390915-GC-G.
Other names: c.539del, p.Ala180fs (NM_001320210.2, NM_198329.4); c.437del, p.Ala146fs (NM_001321238.2); c.371del, p.Ala124fs (NM_001321239.1); short protein forms A124fs, A146fs, A180fs, A236fs.
Identifiers: ClinVar variation 3376269 (VCV003376269.1).

ClinVar aggregate classification (germline): Pathogenic (1 of 4 stars; one submission).

Conditions:
Developmental and epileptic encephalopathy, 44 (DEE44). Also called: Epileptic encephalopathy, early infantile, 44. Identifiers: MedGen C4310700, MONDO:0014933, OMIM 617132.

Submission:

Pittsburgh Clinical Genomics Laboratory, University of Pittsburgh Medical Center
Classification: Pathogenic for Developmental and epileptic encephalopathy, 44. Last evaluated: 2022-04-11. Review status: criteria provided, single submitter. Criteria: ACMG Guidelines, 2015. Collection method: clinical testing. Allele origin: germline. Inheritance: Autosomal recessive inheritance. Affected: yes.
Comment: This sequence variant is a single nucleotide deletion (delG) in exon 8 of 12 of UBA5 and results in an early termition codon 9 amino acids downstream of the frameshift at Ala236. This variant is predicted to generate a non-functiol allele through either the expression of a truncated protein, or a loss of UBA5 expression due to nonsense mediated decay. This is a novel variant that has not been previously reported to clinical variant repositories (ClinVar) and is absent from control population datasets (gnomAD 0 of ~251000 alleles). Because truncating variants are a known mechanism of disease for UBA5 (PMID: 27545681), we consider this variant to be pathogenic. ACMG Criteria: PM2, PM3, PVS1

Literature cited by the submitters: PubMed 27545681.